The following is an entry in ClinVar:

ClinVar aggregate classification (germline): Uncertain significance. Review status: criteria provided, multiple submitters, no conflicts (2 of 4 stars). 2 submissions from 2 submitters: Uncertain significance (2). Last evaluated 2023-10-03.

Allele frequency attached by ClinVar (database versions not stated): gnomAD exomes below 0.00001; gnomAD 0.00001; TOPMed 0.00001.
gnomAD v4.1: 2 of 1,613,822 alleles (0.00012%); highest among the groups gnomAD compares: Non-Finnish European, 0.00017%; no homozygotes.

Submissions (2):

Labcorp Genetics (formerly Invitae), Labcorp
Classification: Uncertain significance. Last evaluated: 2023-10-03. Review status: criteria provided, single submitter. Criteria: Invitae Variant Classification Sherloc (09022015). Collection method: clinical testing. Allele origin: germline.
Comment: This sequence change replaces threonine, which is neutral and polar, with isoleucine, which is neutral and non-polar, at codon 654 of the FOXP1 protein (p.Thr654Ile). This variant is present in population databases (no rsID available, gnomAD 0.007%). This variant has not been reported in the literature in individuals affected with FOXP1-related conditions. ClinVar contains an entry for this variant (Variation ID: 2064869). Advanced modeling of protein sequence and biophysical properties (such as structural, functional, and spatial information, amino acid conservation, physicochemical variation, residue mobility, and thermodynamic stability) performed at Invitae indicates that this missense variant is not expected to disrupt FOXP1 protein function. In summary, the available evidence is currently insufficient to determine the role of this variant in disease. Therefore, it has been classified as a Variant of Uncertain Significance.

GeneDx
Classification: Uncertain significance. Last evaluated: 2022-09-02. Review status: criteria provided, single submitter. Criteria: GeneDx Variant Classification Process June 2021. Collection method: clinical testing. Allele origin: germline. Affected: yes.
Comment: Not observed at significant frequency in large population cohorts (gnomAD); In silico analysis supports that this missense variant has a deleterious effect on protein structure/function; Has not been previously published as pathogenic or benign to our knowledge

NM_001349338.3(FOXP1):c.1961C>T (p.Thr654Ile)

Gene: FOXP1 (forkhead box P1; minus strand). Cytogenetic location: 3p13.
Variant type: single nucleotide variant.
Coding change: c.1961C>T on transcript NM_001349338.3 (MANE Select); coding-DNA position 1961, C replaced by T.
Protein change: p.Thr654Ile; replaces threonine 654 with isoleucine.
Molecular consequence: missense variant. On other transcripts: non-coding transcript variant (2).
Genome position (GRCh38, 1-based): chr3:70,959,320, G>A on the plus strand (C>T on the coding strand, the complement: FOXP1 is on the minus strand). VCF-style: chr3-70959320-G-A. GRCh37 (hg19) VCF-style: chr3-71008471-G-A.
Other names: c.1958C>T, p.Thr653Ile (NM_001244808.3, NM_001349341.3); c.2009C>T, p.Thr670Ile (NM_001244810.2); c.1733C>T, p.Thr578Ile (NM_001244812.3); c.1661C>T, p.Thr554Ile (NM_001244813.3, NM_001244815.2, NM_001349342.3); c.1961C>T, p.Thr654Ile (NM_001244814.3, NM_001244816.2, NM_001349340.3 and 1 more transcripts); c.1658C>T, p.Thr553Ile (NM_001349337.2, NM_001349343.3, NM_001349344.3 and 1 more transcripts); short protein forms T670I, T554I, T653I, T553I, T578I, T654I.
Identifiers: ClinVar variation 2064869 (VCV002064869.5), dbSNP rs1341867805, ClinGen allele CA353488536.